The following is an entry in ClinVar:

NM_000127.3(EXT1):c.1421T>A (p.Leu474Ter)

Gene: EXT1 (exostosin glycosyltransferase 1; minus strand). Cytogenetic location: 8q24.11.
Variant type: single nucleotide variant.
Coding change: c.1421T>A on transcript NM_000127.3 (MANE Select); coding-DNA position 1421, T replaced by A.
Protein change: p.Leu474Ter; replaces leucine 474 with a stop codon.
Molecular consequence: nonsense.
Genome position (GRCh38, 1-based): chr8:117,819,791, A>T on the plus strand (T>A on the coding strand, the complement: EXT1 is on the minus strand). VCF-style: chr8-117819791-A-T. GRCh37 (hg19) VCF-style: chr8-118832030-A-T.
Other names: short protein forms L474*.
Identifiers: ClinVar variation 863316 (VCV000863316.9), dbSNP rs1811893325, ClinGen allele CA371885596.

ClinVar aggregate classification (germline): Pathogenic (1 of 4 stars; one submission).

Conditions:
Multiple congenital exostosis (EXT). Also called: MULTIPLE CARTILAGINOUS EXOSTOSES; Hereditary multiple osteochondromas; Multiple osteochondromas; Multiple exostoses; Hereditary multiple exostoses; Hereditary multiple exostosis. Identifiers: Orphanet 321, MedGen C0015306, MONDO:0005508, HP:0002762.

Submission:

Labcorp Genetics (formerly Invitae), Labcorp
Classification: Pathogenic for Multiple congenital exostosis. Last evaluated: 2019-12-02. Review status: criteria provided, single submitter. Criteria: Invitae Variant Classification Sherloc (09022015). Collection method: clinical testing. Allele origin: germline.
Comment: This sequence change creates a premature translational stop signal (p.Leu474*) in the EXT1 gene. It is expected to result in an absent or disrupted protein product. For these reasons, this variant has been classified as Pathogenic. Loss-of-function variants in EXT1 are known to be pathogenic (PMID: 10679937, 11391482, 19810120). Algorithms developed to predict the effect of sequence changes on RNA splicing suggest that this variant may create or strengthen a splice site, but this prediction has not been confirmed by published transcriptional studies. This nonsense change has been observed in individuals affected with multiple osteochondromatosis (PMID: 16283885, Invitae). This variant is not present in population databases (ExAC no frequency).

Literature cited by the submitters: PubMed 10679937; PubMed 11391482; PubMed 19810120; PubMed 16283885.